The following is an entry in ClinVar:

NM_015450.3(POT1):c.925T>C (p.Ser309Pro)

Gene: POT1 (protection of telomeres 1; minus strand). Cytogenetic location: 7q31.33.
Variant type: single nucleotide variant.
Coding change: c.925T>C on transcript NM_015450.3 (MANE Select); coding-DNA position 925, T replaced by C.
Protein change: p.Ser309Pro; replaces serine 309 with proline.
Molecular consequence: missense variant. On other transcripts: non-coding transcript variant (3).
Genome position (GRCh38, 1-based): chr7:124,851,896, A>G on the plus strand (T>C on the coding strand, the complement: POT1 is on the minus strand). VCF-style: chr7-124851896-A-G. GRCh37 (hg19) VCF-style: chr7-124491950-A-G.
Other names: c.532T>C, p.Ser178Pro (NM_001042594.2); short protein forms S178P, S309P.
Identifiers: ClinVar variation 644547 (VCV000644547.15), dbSNP rs1584764901, ClinGen allele CA369054325.

ClinVar aggregate classification (germline): Uncertain significance. Review status: criteria provided, multiple submitters, no conflicts (2 of 4 stars). 3 submissions from 3 submitters: Uncertain significance (3). Last evaluated 2025-06-06.

Conditions:
Hereditary cancer-predisposing syndrome. Also called: Hereditary Cancer Syndrome; Hereditary neoplastic syndrome; Tumor predisposition; Neoplastic Syndromes, Hereditary. Identifiers: Orphanet 140162, MedGen C0027672, MeSH D009386, MONDO:0015356.
Tumor predisposition syndrome 3 (TPDS3). Also called: Glioma susceptibility 9; LONG TELOMERE SYNDROME, POT1-RELATED; POT1 Tumor Predisposition; Melanoma, cutaneous malignant, susceptibility to, 10. Identifiers: Orphanet 618, MedGen C4014476, MONDO:0014368, OMIM 615848.

Submissions (3):

Dasa
Classification: Uncertain significance. Last evaluated: 2025-06-06. Review status: criteria provided, single submitter. Criteria: DASA Assertion Criteria. Collection method: clinical testing. Allele origin: germline.
Comment: NM_015450.3(POT1):c.925T>C (p.Ser309Pro) is a missense variant that results in the substitution of serine with proline. This variant is absent from population databases. Computational prediction algorithms are consistent with a benign effect. The currently available literature and clinical evidence are not sufficient to establish a definitive association between this variant and the reported condition. Therefore, this variant is classified as a variant of uncertain significance.

Ambry Genetics
Classification: Uncertain significance for Hereditary cancer-predisposing syndrome. Last evaluated: 2021-08-10. Review status: criteria provided, single submitter. Criteria: Ambry Variant Classification Scheme 2023. Collection method: clinical testing. Allele origin: germline.
Comment: The p.S309P variant (also known as c.925T>C), located in coding exon 7 of the POT1 gene, results from a T to C substitution at nucleotide position 925. The serine at codon 309 is replaced by proline, an amino acid with similar properties. This amino acid position is not well conserved in available vertebrate species. In addition, this alteration is predicted to be tolerated by in silico analysis. Since supporting evidence is limited at this time, the clinical significance of this alteration remains unclear.

Labcorp Genetics (formerly Invitae), Labcorp
Classification: Uncertain significance for Tumor predisposition syndrome 3. Last evaluated: 2021-07-30. Review status: criteria provided, single submitter. Criteria: Invitae Variant Classification Sherloc (09022015). Collection method: clinical testing. Allele origin: germline.
Comment: In summary, the available evidence is currently insufficient to determine the role of this variant in disease. Therefore, it has been classified as a Variant of Uncertain Significance. Algorithms developed to predict the effect of missense changes on protein structure and function output the following: SIFT: "Tolerated"; PolyPhen-2: "Benign"; Align-GVGD: "Class C0". The proline amino acid residue is found in multiple mammalian species, suggesting that this missense change does not adversely affect protein function. These predictions have not been confirmed by published functional studies and their clinical significance is uncertain. This variant has not been reported in the literature in individuals with POT1-related disease. This variant is not present in population databases (ExAC no frequency). This sequence change replaces serine with proline at codon 309 of the POT1 protein (p.Ser309Pro). The serine residue is moderately conserved and there is a moderate physicochemical difference between serine and proline.